The following is an entry in ClinVar:

ClinVar aggregate classification (germline): Uncertain significance (1 of 4 stars; one submission).

gnomAD v4.1: 100 of 1,613,866 alleles (0.0062%); highest among the groups gnomAD compares: Admixed American, 0.042%; no homozygotes.

Submission:

Labcorp Genetics (formerly Invitae), Labcorp
Classification: Uncertain significance. Last evaluated: 2025-07-30. Review status: criteria provided, single submitter. Criteria: Invitae Variant Classification Sherloc (09022015). Collection method: clinical testing. Allele origin: germline.
Comment: This sequence change replaces alanine, which is neutral and non-polar, with glutamic acid, which is acidic and polar, at codon 288 of the KRT6B protein (p.Ala288Glu). This variant is present in population databases (rs374881736, gnomAD 0.02%). This variant has not been reported in the literature in individuals affected with KRT6B-related conditions. Invitae Evidence Modeling of protein sequence and biophysical properties (such as structural, functional, and spatial information, amino acid conservation, physicochemical variation, residue mobility, and thermodynamic stability) indicates that this missense variant is not expected to disrupt KRT6B protein function with a negative predictive value of 80%. In summary, the available evidence is currently insufficient to determine the role of this variant in disease. Therefore, it has been classified as a Variant of Uncertain Significance.

NM_005555.4(KRT6B):c.863C>A (p.Ala288Glu)

Gene: KRT6B (keratin 6B; minus strand). Cytogenetic location: 12q13.13.
Variant type: single nucleotide variant.
Coding change: c.863C>A on transcript NM_005555.4 (MANE Select); coding-DNA position 863, C replaced by A.
Protein change: p.Ala288Glu; replaces alanine 288 with glutamic acid.
Molecular consequence: missense variant.
Genome position (GRCh38, 1-based): chr12:52,449,807, G>T on the plus strand (C>A on the coding strand, the complement: KRT6B is on the minus strand). VCF-style: chr12-52449807-G-T. GRCh37 (hg19) VCF-style: chr12-52843591-G-T.
Other names: short protein forms A288E.
Identifiers: ClinVar variation 4751444 (VCV004751444.1).
Genomic context (GRCh38, chr12:52,449,807, plus strand): 5'-GAGTTGCTTACTGCATCATACAAGGCTCTCAGGAAGTTGATCTCATCTGTAAGAGTGTCT[G>T]CCTTGGCTTGCAGTTCAACCTTGTTCATGTAGGCAGCATCCACATCCTGGGGAAAGAGCC-3'
Protein context (NP_005546.2, residues 278-298): YMNKVELQAK[Ala288Glu]DTLTDEINFL